The following is an entry in ClinVar:

ClinVar aggregate classification (germline): Uncertain significance (1 of 4 stars; one submission).

Conditions:
Cardiovascular phenotype. Identifiers: MedGen CN230736.

Submission:

Ambry Genetics
Classification: Uncertain significance for Cardiovascular phenotype. Last evaluated: 2025-09-14. Review status: criteria provided, single submitter. Criteria: Ambry Variant Classification Scheme 2023. Collection method: clinical testing. Allele origin: germline.
Comment: The p.G35R variant (also known as c.103G>A), located in coding exon 2 of the SPRED1 gene, results from a G to A substitution at nucleotide position 103. The glycine at codon 35 is replaced by arginine, an amino acid with dissimilar properties. This amino acid position is conserved. In addition, this alteration is predicted to be deleterious by in silico analysis. Based on the available evidence, the clinical significance of this variant remains unclear.

NM_152594.3(SPRED1):c.103G>A (p.Gly35Arg)

Gene: SPRED1 (sprouty related EVH1 domain containing 1; plus strand). Cytogenetic location: 15q14.
Variant type: single nucleotide variant.
Coding change: c.103G>A on transcript NM_152594.3 (MANE Select); coding-DNA position 103, G replaced by A.
Protein change: p.Gly35Arg; replaces glycine 35 with arginine.
Molecular consequence: missense variant.
Genome position (GRCh38, 1-based): chr15:38,299,443, G>A. VCF-style: chr15-38299443-G-A. GRCh37 (hg19) VCF-style: chr15-38591644-G-A.
Other names: short protein forms G35R.
Identifiers: ClinVar variation 4174064 (VCV004174064.1).